The following is an entry in ClinVar:

NM_181486.4(TBX5):c.920del (p.Pro307fs)

Gene: TBX5 (T-box transcription factor 5; minus strand). Cytogenetic location: 12q24.21.
Variant type: Deletion.
Coding change: c.920del on transcript NM_181486.4 (MANE Select); coding-DNA position 920, one base deleted (C; older notation c.920delC).
Protein change: p.Pro307fs; shifts the reading frame from proline 307.
Molecular consequence: frameshift variant.
Genome position (GRCh38, 1-based): chr12:114,366,227, G deleted on the plus strand (C on the coding strand, the reverse complement: TBX5 is on the minus strand); the first of 2 consecutive G bases (chr12:114,366,227-114,366,228); deleting either gives the same sequence. VCF-style (leftmost placement, unchanged base first): chr12-114366226-TG-T. GRCh37 (hg19) VCF-style: chr12-114804031-TG-T.
Other names: c.920del, p.Pro307fs (NM_000192.3); c.770del, p.Pro257fs (NM_080717.4); short protein forms P307fs, P257fs.
Identifiers: ClinVar variation 2712245 (VCV002712245.3), dbSNP rs2540436107, ClinGen allele CA2697551536.

ClinVar aggregate classification (germline): Pathogenic (1 of 4 stars; one submission).

Conditions:
Aortic valve disease 2 (AOVD2). Identifiers: MedGen C3542024, MONDO:0013902, OMIM 614823.

Submission:

Labcorp Genetics (formerly Invitae), Labcorp
Classification: Pathogenic for Aortic valve disease 2. Last evaluated: 2024-02-05. Review status: criteria provided, single submitter. Criteria: Invitae Variant Classification Sherloc (09022015). Collection method: clinical testing. Allele origin: germline.
Comment: This sequence change creates a premature translational stop signal (p.Pro307Hisfs*87) in the TBX5 gene. While this is not anticipated to result in nonsense mediated decay, it is expected to disrupt the last 212 amino acid(s) of the TBX5 protein. This variant is not present in population databases (gnomAD no frequency). This premature translational stop signal has been observed in individual(s) with clinical features consistent with Holt-Oram syndrome (Invitae). This variant disrupts a region of the TBX5 protein in which other variant(s) (p.Tyr368*) have been determined to be pathogenic (PMID: 8988164, 12789647, 16917909, 17534187, 25500235; Invitae). This suggests that this is a clinically significant region of the protein, and that variants that disrupt it are likely to be disease-causing. For these reasons, this variant has been classified as Pathogenic.

Literature cited by the submitters: PubMed 8988164; PubMed 12789647; PubMed 16917909; PubMed 17534187; PubMed 25500235.